The following is an entry in ClinVar:

NM_000488.4(SERPINC1):c.382A>T (p.Asn128Tyr)

Gene: SERPINC1 (serpin family C member 1; minus strand). Cytogenetic location: 1q25.1.
Variant type: single nucleotide variant.
Coding change: c.382A>T on transcript NM_000488.4 (MANE Select); coding-DNA position 382, A replaced by T.
Protein change: p.Asn128Tyr; replaces asparagine 128 with tyrosine.
Molecular consequence: missense variant.
Genome position (GRCh38, 1-based): chr1:173,914,579, T>A on the plus strand (A>T on the coding strand, the complement: SERPINC1 is on the minus strand). VCF-style: chr1-173914579-T-A. GRCh37 (hg19) VCF-style: chr1-173883717-T-A.
Other names: c.238A>T, p.Asn80Tyr (NM_001365052.2); c.382A>T, p.Asn128Tyr (NM_001386302.1, NM_001386304.1, NM_001386305.1 and 1 more transcripts); c.463A>T, p.Asn155Tyr (NM_001386303.1); short protein forms N128Y, N155Y, N80Y.
Identifiers: ClinVar variation 1684315 (VCV001684315.1), dbSNP rs1657908048, ClinGen allele CA343777281.
Genomic context (GRCh38, chr1:173,914,579, plus strand): 5'-ACAAGGTGGCTGGGCAGAAGACCTTTGGTCGTACCTCCATCAGTTGCTGGAGGGTGTCAT[T>A]ACAGGCACCCAGCTTGGTCATAGCAAAAGCCGTGGAGATACTCAGGGGTGACAGGAAAAT-3'
Protein context (NP_000479.1, residues 118-138): AFAMTKLGAC[Asn128Tyr]DTLQQLMEVF

ClinVar aggregate classification (germline): Likely pathogenic (0 of 4 stars; one submission).

Conditions:
Hereditary antithrombin deficiency (AT3D). Also called: Thrombophilia due to antithrombin III deficiency; Antithrombin III deficiency; Reduced antithrombin III activity; Antithrombin deficiency. Identifiers: Orphanet 82, MedGen C0272375, MONDO:0013144, OMIM 613118, HP:0001976.

Allele frequency attached by ClinVar (database versions not stated): gnomAD 0.00001.
gnomAD v4.1: 1 of 1,614,024 alleles (0.000062%); highest among the groups gnomAD compares: African/African-American, 0.0013%; no homozygotes.

Submission:

ISTH-SSC Genomics in Thrombosis and Hemostasis, KU Leuven, Center for Molecular and Vascular Biology
Classification: Likely pathogenic for Hereditary antithrombin deficiency. Review status: no assertion criteria provided. Collection method: research. Allele origin: unknown. Affected: yes.
Comment: Submitted to GoldVariant by Dr Karyn Mégy from NIHR Bioresource - Cambridge University, UK